The following is an entry in ClinVar:

ClinVar aggregate classification (germline): Uncertain significance. Review status: criteria provided, multiple submitters, no conflicts (2 of 4 stars). 2 submissions from 2 submitters: Uncertain significance (2). Last evaluated 2023-05-02.

Conditions:
HNSHA due to aldolase A deficiency (GSD12). Also called: Glycogen storage disease due to aldolase A deficiency; GLYCOGEN STORAGE DISEASE XII; GSD XII; RED CELL ALDOLASE DEFICIENCY. Identifiers: Orphanet 57, MedGen C0272066, MONDO:0012747, OMIM 611881.

Allele frequency attached by ClinVar (database versions not stated): gnomAD 0.00001; TOPMed 0.00002.
gnomAD v4.1: 13 of 1,613,056 alleles (0.00081%); highest among the groups gnomAD compares: Admixed American, 0.0017%; no homozygotes.

Submissions (2):

Blueprint Genetics
Classification: Uncertain significance. Last evaluated: 2023-05-02. Review status: criteria provided, single submitter. Criteria: ACMG Guidelines, 2015. Collection method: clinical testing. Allele origin: germline.

Labcorp Genetics (formerly Invitae), Labcorp
Classification: Uncertain significance for HNSHA due to aldolase A deficiency. Last evaluated: 2021-08-14. Review status: criteria provided, single submitter. Criteria: Invitae Variant Classification Sherloc (09022015). Collection method: clinical testing. Allele origin: germline.
Comment: This sequence change replaces isoleucine with valine at codon 19 of the ALDOA protein (p.Ile19Val). The isoleucine residue is highly conserved and there is a small physicochemical difference between isoleucine and valine. This variant is not present in population databases (ExAC no frequency). This variant has not been reported in the literature in individuals affected with ALDOA-related conditions. Algorithms developed to predict the effect of missense changes on protein structure and function are either unavailable or do not agree on the potential impact of this missense change (SIFT: "Tolerated"; PolyPhen-2: "Possibly Damaging"; Align-GVGD: "Class C0"). In summary, the available evidence is currently insufficient to determine the role of this variant in disease. Therefore, it has been classified as a Variant of Uncertain Significance.

NM_001243177.4(ALDOA):c.217A>G (p.Ile73Val)

Genes: ALDOA (aldolase, fructose-bisphosphate A; plus strand), LOC112694756 (uncharaterized LOC112694756; plus strand). Cytogenetic location: 16p11.2.
Variant type: single nucleotide variant.
Coding change: c.217A>G on transcript NM_001243177.4 (MANE Select); coding-DNA position 217, A replaced by G.
Protein change: p.Ile73Val; replaces isoleucine 73 with valine.
Molecular consequence: missense variant. On other transcripts: 3 prime UTR variant (3).
Genome position (GRCh38, 1-based): chr16:30,067,309, A>G. VCF-style: chr16-30067309-A-G. GRCh37 (hg19) VCF-style: chr16-30078630-A-G.
Other names: c.*564A>G (NM_001365304.2, NM_001365305.2, NM_001365307.2); c.55A>G, p.Ile19Val (NM_001127617.2, NM_184041.5, NM_184043.2); short protein forms I73V, I19V.
Identifiers: ClinVar variation 1463577 (VCV001463577.6), dbSNP rs929389001, ClinGen allele CA280408704.